The following is an entry in ClinVar:

ClinVar aggregate classification (germline): Uncertain significance. Review status: criteria provided, multiple submitters, no conflicts (2 of 4 stars). 4 submissions from 4 submitters: Uncertain significance (3). 1 of the submissions does not count toward it. Last evaluated 2026-06-05.

Conditions:
Glycogen storage disease, type VII (GSD7). Also called: GSD VII; MUSCLE PHOSPHOFRUCTOKINASE DEFICIENCY; PFKM DEFICIENCY; TARUI DISEASE. Identifiers: Orphanet 371, MedGen C0017926, MONDO:0009295, OMIM 232800.

Allele frequency attached by ClinVar (database versions not stated): 1000 Genomes Project 30x 0.00062; gnomAD 0.00008 and 0.00009; TOPMed 0.00019; 1000 Genomes Project 0.00040; gnomAD exomes 0.00001; ExAC 0.00004.

Submissions (4):

Women's Health and Genetics/Laboratory Corporation of America, LabCorp
Classification: Uncertain significance. Last evaluated: 2026-06-05. Review status: criteria provided, single submitter. Criteria: LabCorp Variant Classification Summary - May 2015. Collection method: clinical testing. Allele origin: germline.

GeneDx
Classification: Uncertain significance. Last evaluated: 2025-07-08. Review status: criteria provided, single submitter. Criteria: GeneDx Variant Classification Process June 2021. Collection method: clinical testing. Allele origin: germline. Affected: yes.
Comment: Not observed at significant frequency in large population cohorts (gnomAD); Has not been previously published as pathogenic or benign to our knowledge; In silico analysis is inconclusive as to whether the variant alters gene splicing. In the absence of RNA/functional studies, the actual effect of this sequence change is unknown.

Labcorp Genetics (formerly Invitae), Labcorp
Classification: Uncertain significance for Glycogen storage disease, type VII. Last evaluated: 2022-05-29. Review status: criteria provided, single submitter. Criteria: Invitae Variant Classification Sherloc (09022015). Collection method: clinical testing. Allele origin: germline.
Comment: This sequence change falls in intron 20 of the PFKM gene. It does not directly change the encoded amino acid sequence of the PFKM protein. It affects a nucleotide within the consensus splice site. This variant is present in population databases (rs180864041, gnomAD 0.009%). This variant has not been reported in the literature in individuals affected with PFKM-related conditions. ClinVar contains an entry for this variant (Variation ID: 969257). Variants that disrupt the consensus splice site are a relatively common cause of aberrant splicing (PMID: 17576681, 9536098). Algorithms developed to predict the effect of sequence changes on RNA splicing suggest that this variant may disrupt the consensus splice site. In summary, the available evidence is currently insufficient to determine the role of this variant in disease. Therefore, it has been classified as a Variant of Uncertain Significance.

Natera, Inc.
Classification: Uncertain significance for Glycogen storage disease type VII. Last evaluated: 2020-11-19. Review status: no assertion criteria provided. Collection method: clinical testing. Allele origin: germline. Not counted in ClinVar's aggregate classification.

Literature cited by the submitters: PubMed 17576681 (cited by Labcorp Genetics (formerly Invitae), Labcorp); PubMed 9536098 (cited by Labcorp Genetics (formerly Invitae), Labcorp).

NM_000289.6(PFKM):c.1992+5G>A

Gene: PFKM (phosphofructokinase, muscle; plus strand). Cytogenetic location: 12q13.11.
Variant type: single nucleotide variant.
Coding change: c.1992+5G>A on transcript NM_000289.6 (MANE Select); 5 bases into the intron after coding-DNA position 1992, G replaced by A.
Molecular consequence: intron variant.
Genome position (GRCh38, 1-based): chr12:48,144,162, G>A. VCF-style: chr12-48144162-G-A. GRCh37 (hg19) VCF-style: chr12-48537945-G-A.
Other names: c.2016+5G>A (NM_001354741.2); c.1992+5G>A (NM_001354742.2, NM_001354743.2, NM_001354744.2 and 2 more transcripts); c.1842+5G>A (NM_001354747.2, NM_001354748.2); c.2205+5G>A (NM_001166686.2, NM_001354737.1, NM_001354739.1 and 1 more transcripts); c.2301+5G>A (NM_001354736.1, NM_001354735.1); c.2136+5G>A (NM_001354740.1); c.1905+5G>A (NM_001354745.2); c.1866+5G>A (NM_001354746.2); and 1 more.
Identifiers: ClinVar variation 969257 (VCV000969257.8), dbSNP rs180864041, ClinGen allele CA6537482.